The following is an entry in ClinVar:

NM_001364905.1(LRBA):c.2126A>G (p.Asn709Ser)

Gene: LRBA (LPS responsive beige-like anchor protein; minus strand). Cytogenetic location: 4q31.3.
Variant type: single nucleotide variant.
Coding change: c.2126A>G on transcript NM_001364905.1 (MANE Select); coding-DNA position 2126, A replaced by G.
Protein change: p.Asn709Ser; replaces asparagine 709 with serine.
Molecular consequence: missense variant.
Genome position (GRCh38, 1-based): chr4:150,893,091, T>C on the plus strand (A>G on the coding strand, the complement: LRBA is on the minus strand). VCF-style: chr4-150893091-T-C. GRCh37 (hg19) VCF-style: chr4-151814243-T-C.
Other names: c.2126A>G, p.Asn709Ser (NM_001199282.3, NM_001367550.1, NM_006726.5); short protein forms N709S.
Identifiers: ClinVar variation 577851 (VCV000577851.8), dbSNP rs1011931648, ClinGen allele CA358428893.
Genomic context (GRCh38, chr4:150,893,091, plus strand): 5'-AAATAGATTAAAAACTCTTACCGTAACCCATTCCTTTGGTCAAAAGCAGGAATCATAGAG[T>C]TAGGGTGTTCTGACATTAATGCAACAAGCAGCTGTAGGACATCCATTAGATTGTCATCCT-3'
Protein context (NP_001351834.1, residues 699-719): LLVALMSEHP[Asn709Ser]SMIPAFDQRN

ClinVar aggregate classification (germline): Uncertain significance (1 of 4 stars; one submission).

Conditions:
Combined immunodeficiency due to LRBA deficiency. Also called: Common variable immunodeficiency 8, with autoimmunity. Identifiers: Orphanet 445018, MedGen C3553512, MONDO:0013863, OMIM 614700.

Submission:

Labcorp Genetics (formerly Invitae), Labcorp
Classification: Uncertain significance for Combined immunodeficiency due to LRBA deficiency. Last evaluated: 2017-09-26. Review status: criteria provided, single submitter. Criteria: Invitae Variant Classification Sherloc (09022015). Collection method: clinical testing. Allele origin: germline.
Comment: This sequence change replaces asparagine with serine at codon 709 of the LRBA protein (p.Asn709Ser). The asparagine residue is weakly conserved and there is a small physicochemical difference between asparagine and serine. This variant is not present in population databases (ExAC no frequency). This variant has not been reported in the literature in individuals with LRBA-related disease. In summary, the available evidence is currently insufficient to determine the role of this variant in disease. Therefore, it has been classified as a Variant of Uncertain Significance. Algorithms developed to predict the effect of missense changes on protein structure and function output the following: SIFT: "0.87"; PolyPhen-2: "Benign"; Align-GVGD: "Class C0". The serine amino acid residue is found in multiple mammalian species, suggesting that this missense change does not adversely affect protein function. These predictions have not been confirmed by published functional studies and their clinical significance is uncertain.